The following is an entry in ClinVar:

ClinVar aggregate classification (germline): Uncertain significance (1 of 4 stars; one submission).

Conditions:
Hereditary cancer-predisposing syndrome. Also called: Tumor predisposition; Hereditary Cancer Syndrome; Hereditary neoplastic syndrome; Neoplastic Syndromes, Hereditary. Identifiers: Orphanet 140162, MedGen C0027672, MeSH D009386, MONDO:0015356.

gnomAD v4.1: 1 of 1,614,150 alleles (0.000062%); highest among the groups gnomAD compares: Admixed American, 0.0017%; no homozygotes.

Submission:

Ambry Genetics
Classification: Uncertain significance for Hereditary cancer-predisposing syndrome. Last evaluated: 2026-01-29. Review status: criteria provided, single submitter. Criteria: Ambry Variant Classification Scheme 2023. Collection method: clinical testing. Allele origin: germline.
Comment: The p.P401L variant (also known as c.1202C>T), located in coding exon 9 of the SDHA gene, results from a C to T substitution at nucleotide position 1202. The proline at codon 401 is replaced by leucine, an amino acid with similar properties. This amino acid position is highly conserved in available vertebrate species. In addition, this alteration is predicted to be deleterious by in silico analysis. Since supporting evidence is limited at this time, the clinical significance of this alteration remains unclear.

NM_004168.4(SDHA):c.1202C>T (p.Pro401Leu)

Gene: SDHA (succinate dehydrogenase complex flavoprotein subunit A; plus strand). Cytogenetic location: 5p15.33.
Variant type: single nucleotide variant.
Coding change: c.1202C>T on transcript NM_004168.4 (MANE Select); coding-DNA position 1202, C replaced by T.
Protein change: p.Pro401Leu; replaces proline 401 with leucine.
Molecular consequence: missense variant.
Genome position (GRCh38, 1-based): chr5:235,281, C>T. VCF-style: chr5-235281-C-T. GRCh37 (hg19) VCF-style: chr5-235396-C-T.
Other names: c.1058C>T, p.Pro353Leu (NM_001294332.2); c.1202C>T, p.Pro401Leu (NM_001330758.2); short protein forms P353L, P401L.
Identifiers: ClinVar variation 3223713 (VCV003223713.2), dbSNP rs2126585321, ClinGen allele CA359013661.
Genomic context (GRCh38, chr5:235,281, plus strand): 5'-CTGGCATTTCAGAGACAGCCATGATCTTCGCTGGCGTGGACGTCACGAAGGAGCCGATCC[C>T]TGTCCTCCCCACCGTGCATTATAACATGGGCGGCATTCCCACCAACTACAAGGGGCAGGT-3'
Protein context (NP_004159.2, residues 391-411): AGVDVTKEPI[Pro401Leu]VLPTVHYNMG